The following is an entry in ClinVar:

ClinVar aggregate classification (germline): Uncertain significance. Review status: criteria provided, multiple submitters, no conflicts (2 of 4 stars). 2 submissions from 2 submitters: Uncertain significance (2). Last evaluated 2025-07-19.

Conditions:
Ehlers-Danlos syndrome, classic type, 1 (EDSCL1). Also called: EHLERS-DANLOS SYNDROME, GRAVIS TYPE; EHLERS-DANLOS SYNDROME, SEVERE CLASSIC TYPE; Ehlers-Danlos syndrome, type 1; Ehlers-Danlos Syndrome, Classic Type, COL5A1-Related; EDS I. Identifiers: MedGen C0268335, MONDO:0019567, OMIM 130000.

Allele frequency attached by ClinVar (database versions not stated): TOPMed below 0.00001.

Submissions (2):

GeneDx
Classification: Uncertain significance. Last evaluated: 2025-07-19. Review status: criteria provided, single submitter. Criteria: GeneDx Variant Classification Process June 2021. Collection method: clinical testing. Allele origin: germline. Affected: yes.
Comment: Not observed at significant frequency in large population cohorts (gnomAD); In silico analysis supports that this missense variant has a deleterious effect on protein structure/function; Has not been previously published as pathogenic or benign to our knowledge; Not located in the triple helical region, where the majority of pathogenic missense variants occur (PMID: 22696272; HGMD); This variant is associated with the following publications: (PMID: 22696272)

Labcorp Genetics (formerly Invitae), Labcorp
Classification: Uncertain significance for Ehlers-Danlos syndrome, classic type, 1. Last evaluated: 2023-01-23. Review status: criteria provided, single submitter. Criteria: Invitae Variant Classification Sherloc (09022015). Collection method: clinical testing. Allele origin: germline.
Comment: This variant has not been reported in the literature in individuals affected with COL5A1-related conditions. In summary, the available evidence is currently insufficient to determine the role of this variant in disease. Therefore, it has been classified as a Variant of Uncertain Significance. Advanced modeling of protein sequence and biophysical properties (such as structural, functional, and spatial information, amino acid conservation, physicochemical variation, residue mobility, and thermodynamic stability) performed at Invitae indicates that this missense variant is expected to disrupt COL5A1 protein function. This variant is not present in population databases (gnomAD no frequency). This sequence change replaces asparagine, which is neutral and polar, with serine, which is neutral and polar, at codon 1672 of the COL5A1 protein (p.Asn1672Ser).

NM_000093.5(COL5A1):c.5015A>G (p.Asn1672Ser)

Genes: COL5A1 (collagen type V alpha 1 chain; plus strand), LOC101448202 (uncharacterized LOC101448202; minus strand). Cytogenetic location: 9q34.3.
Variant type: single nucleotide variant.
Coding change: c.5015A>G on transcript NM_000093.5 (MANE Select); coding-DNA position 5015, A replaced by G.
Protein change: p.Asn1672Ser; replaces asparagine 1672 with serine.
Molecular consequence: missense variant.
Genome position (GRCh38, 1-based): chr9:134,825,852, A>G. VCF-style: chr9-134825852-A-G. GRCh37 (hg19) VCF-style: chr9-137717698-A-G.
Other names: c.5015A>G, p.Asn1672Ser (NM_001278074.1); short protein forms N1672S.
Identifiers: ClinVar variation 2831253 (VCV002831253.2), dbSNP rs1839243054, ClinGen allele CA375458957.
Genomic context (GRCh38, chr9:134,825,852, plus strand): 5'-GTGAATACTGGGTCGATCCTAACCAAGGATGCTCCAGGGATTCCTTCAAGGTTTACTGCA[A>G]CTTCACAGCCGGGGGGTCGACATGCGTCTTCCCTGACAAGAAGTCCGAAGGGGTGAGTAG-3'
Protein context (NP_000084.3, residues 1662-1682): CSRDSFKVYC[Asn1672Ser]FTAGGSTCVF